The following is an entry in ClinVar:

NM_004836.7(EIF2AK3):c.86C>T (p.Ala29Val)

Gene: EIF2AK3 (eukaryotic translation initiation factor 2 alpha kinase 3; minus strand). Cytogenetic location: 2p11.2.
Variant type: single nucleotide variant.
Coding change: c.86C>T on transcript NM_004836.7 (MANE Select); coding-DNA position 86, C replaced by T.
Protein change: p.Ala29Val; replaces alanine 29 with valine.
Molecular consequence: missense variant.
Genome position (GRCh38, 1-based): chr2:88,627,189, G>A on the plus strand (C>T on the coding strand, the complement: EIF2AK3 is on the minus strand). VCF-style: chr2-88627189-G-A. GRCh37 (hg19) VCF-style: chr2-88926707-G-A.
Other names: short protein forms A29V.
Identifiers: ClinVar variation 1524407 (VCV001524407.8), dbSNP rs529920914, ClinGen allele CA1755014.

ClinVar aggregate classification (germline): Conflicting classifications of pathogenicity. Review status: criteria provided, conflicting classifications (1 of 4 stars). 3 submissions from 3 submitters: Uncertain significance (2); Likely benign (1). Last evaluated 2026-01-08.

Conditions:
Wolcott-Rallison dysplasia. Also called: MED-IDDM SYNDROME; Wolcott-Rallison syndrome. Identifiers: Orphanet 1667, MedGen C0432217, MONDO:0009192, OMIM 226980.

Allele frequency attached by ClinVar (database versions not stated): gnomAD 0.00001; gnomAD exomes 0.00003; 1000 Genomes Project 30x 0.00016; 1000 Genomes Project 0.00020; ExAC 0.00085.
gnomAD v4.1: 45 of 1,452,526 alleles (0.0031%); highest among the groups gnomAD compares: South Asian, 0.058%; no homozygotes.

Submissions (3):

Labcorp Genetics (formerly Invitae), Labcorp
Classification: Uncertain significance. Last evaluated: 2026-01-08. Review status: criteria provided, single submitter. Criteria: Invitae Variant Classification Sherloc (09022015). Collection method: clinical testing. Allele origin: germline.
Comment: This sequence change replaces alanine, which is neutral and non-polar, with valine, which is neutral and non-polar, at codon 29 of the EIF2AK3 protein (p.Ala29Val). The frequency data for this variant in the population databases is considered unreliable, as metrics indicate poor data quality at this position in the gnomAD database. This variant has not been reported in the literature in individuals affected with EIF2AK3-related conditions. ClinVar contains an entry for this variant (Variation ID: 1524407). Experimental studies and prediction algorithms are not available or were not evaluated, and the functional significance of this variant is currently unknown. In summary, the available evidence is currently insufficient to determine the role of this variant in disease. Therefore, it has been classified as a Variant of Uncertain Significance.

3billion
Classification: Likely benign for Wolcott-Rallison dysplasia. Last evaluated: 2024-09-20. Review status: criteria provided, single submitter. Criteria: ACMG Guidelines, 2015. Collection method: clinical testing. Allele origin: germline. Affected: no.
Comment: The homozygous variant was found in patients diagnosed with another variant in a different gene, with no symptoms related to the gene containing the homozygous variant.

Fulgent Genetics
Classification: Uncertain significance for Wolcott-Rallison dysplasia. Last evaluated: 2021-07-23. Review status: criteria provided, single submitter. Criteria: ACMG Guidelines, 2015. Collection method: clinical testing. Allele origin: unknown.